The following is an entry in ClinVar:

ClinVar aggregate classification (germline): Uncertain significance (1 of 4 stars; one submission).

Allele frequency attached by ClinVar (database versions not stated): gnomAD exomes below 0.00001; TOPMed 0.00001; ExAC 0.00002; gnomAD 0.00003.

Submission:

Labcorp Genetics (formerly Invitae), Labcorp
Classification: Uncertain significance. Last evaluated: 2024-09-29. Review status: criteria provided, single submitter. Criteria: Invitae Variant Classification Sherloc (09022015). Collection method: clinical testing. Allele origin: germline.
Comment: This sequence change replaces alanine, which is neutral and non-polar, with valine, which is neutral and non-polar, at codon 164 of the RPL9 protein (p.Ala164Val). This variant is present in population databases (rs758145477, gnomAD 0.007%). This variant has not been reported in the literature in individuals affected with RPL9-related conditions. ClinVar contains an entry for this variant (Variation ID: 2174725). An algorithm developed to predict the effect of missense changes on protein structure and function (PolyPhen-2) suggests that this variant is likely to be tolerated. In summary, the available evidence is currently insufficient to determine the role of this variant in disease. Therefore, it has been classified as a Variant of Uncertain Significance.

NM_000661.5(RPL9):c.491C>T (p.Ala164Val)

Gene: RPL9 (ribosomal protein L9; minus strand). Cytogenetic location: 4p14.
Variant type: single nucleotide variant.
Coding change: c.491C>T on transcript NM_000661.5 (MANE Select); coding-DNA position 491, C replaced by T.
Protein change: p.Ala164Val; replaces alanine 164 with valine.
Molecular consequence: missense variant.
Genome position (GRCh38, 1-based): chr4:39,454,631, G>A on the plus strand (C>T on the coding strand, the complement: RPL9 is on the minus strand). VCF-style: chr4-39454631-G-A. GRCh37 (hg19) VCF-style: chr4-39456251-G-A.
Other names: c.491C>T, p.Ala164Val (NM_001024921.4); short protein forms A164V.
Identifiers: ClinVar variation 2174725 (VCV002174725.4), dbSNP rs758145477, ClinGen allele CA2894215.